The following is an entry in ClinVar:

NM_201384.3(PLEC):c.7636C>G (p.Gln2546Glu)

Gene: PLEC (plectin; minus strand). Cytogenetic location: 8q24.3.
Variant type: single nucleotide variant.
Coding change: c.7636C>G on transcript NM_201384.3 (MANE Select); coding-DNA position 7636, C replaced by G.
Protein change: p.Gln2546Glu; replaces glutamine 2546 with glutamic acid.
Molecular consequence: missense variant.
Genome position (GRCh38, 1-based): chr8:143,922,185, G>C on the plus strand (C>G on the coding strand, the complement: PLEC is on the minus strand). VCF-style: chr8-143922185-G-C. GRCh37 (hg19) VCF-style: chr8-144996353-G-C.
Other names: c.7717C>G, p.Gln2573Glu (NM_000445.5); c.4336C>G, p.Gln1446Glu (NM_001410941.1); c.7594C>G, p.Gln2532Glu (NM_201378.4); c.7570C>G, p.Gln2524Glu (NM_201379.3); c.8047C>G, p.Gln2683Glu (NM_201380.4); c.7540C>G, p.Gln2514Glu (NM_201381.3); c.7636C>G, p.Gln2546Glu (NM_201382.4); c.7648C>G, p.Gln2550Glu (NM_201383.3); short protein forms Q1446E, Q2524E, Q2546E, Q2532E, Q2573E, Q2683E, Q2514E, Q2550E.
Identifiers: ClinVar variation 4994863 (VCV004994863.1).

ClinVar aggregate classification (germline): Uncertain significance (1 of 4 stars; one submission).

Conditions:
PLEC-related disorder. Also called: PLEC-related disorders; PLEC-related condition.

Submission:

PreventionGenetics, part of Exact Sciences
Classification: Uncertain significance for PLEC-related condition. Last evaluated: 2026-08-31. Review status: criteria provided, single submitter. Criteria: ACMG Guidelines, 2015. Collection method: clinical testing. Allele origin: germline.
Comment: The PLEC c.7717C>G variant is predicted to result in the amino acid substitution p.Gln2573Glu. To our knowledge, this variant has not been reported in the literature or in a large population database (gnomAD), indicating this variant is rare. At this time, the clinical significance of this variant is uncertain due to the absence of conclusive functional and genetic evidence.